The following is an entry in ClinVar:

ClinVar aggregate classification (germline): Uncertain significance (1 of 4 stars; one submission).

Conditions:
Combined immunodeficiency with skin granulomas. Identifiers: Orphanet 157949, MedGen C2673536, MONDO:0009306, OMIM 233650.
Severe combined immunodeficiency, autosomal recessive, T cell-negative, B cell-negative, NK cell-positive. Also called: SCID, T CELL-NEGATIVE, B CELL-NEGATIVE, NK CELL-POSITIVE; SCID, AR, T-cell negative, B-cell negative, NK cell-positive; Severe combined immunodeficiency due to complete RAG1/2 deficiency. Identifiers: Orphanet 331206, MedGen C1832322, MONDO:0011086, OMIM 601457.

Submission:

Labcorp Genetics (formerly Invitae), Labcorp
Classification: Uncertain significance for Combined immunodeficiency with skin granulomas; Severe combined immunodeficiency, autosomal recessive, T cell-negative, B cell-negative, NK cell-positive. Last evaluated: 2022-08-19. Review status: criteria provided, single submitter. Criteria: Invitae Variant Classification Sherloc (09022015). Collection method: clinical testing. Allele origin: germline.
Comment: Advanced modeling of protein sequence and biophysical properties (such as structural, functional, and spatial information, amino acid conservation, physicochemical variation, residue mobility, and thermodynamic stability) performed at Invitae indicates that this missense variant is not expected to disrupt RAG2 protein function. This variant has not been reported in the literature in individuals affected with RAG2-related conditions. This variant is not present in population databases (gnomAD no frequency). This sequence change replaces threonine, which is neutral and polar, with alanine, which is neutral and non-polar, at codon 361 of the RAG2 protein (p.Thr361Ala). In summary, the available evidence is currently insufficient to determine the role of this variant in disease. Therefore, it has been classified as a Variant of Uncertain Significance.

NM_000536.4(RAG2):c.1081A>G (p.Thr361Ala)

Gene: RAG2 (recombination activating 2; minus strand). Cytogenetic location: 11p12.
Variant type: single nucleotide variant.
Coding change: c.1081A>G on transcript NM_000536.4 (MANE Select); coding-DNA position 1081, A replaced by G.
Protein change: p.Thr361Ala; replaces threonine 361 with alanine.
Molecular consequence: missense variant.
Genome position (GRCh38, 1-based): chr11:36,593,088, T>C on the plus strand (A>G on the coding strand, the complement: RAG2 is on the minus strand). VCF-style: chr11-36593088-T-C. GRCh37 (hg19) VCF-style: chr11-36614638-T-C.
Other names: c.1081A>G, p.Thr361Ala (NM_001243785.2, NM_001243786.2); short protein forms T361A.
Identifiers: ClinVar variation 1716878 (VCV001716878.5), dbSNP rs2494790623, ClinGen allele CA380141163.